The following is an entry in ClinVar:

NM_001159699.2(FHL1):c.670_671dup (p.Cys225fs)

Gene: FHL1 (four and a half LIM domains 1; plus strand). Cytogenetic location: Xq26.3.
Variant type: Duplication.
Coding change: c.670_671dup on transcript NM_001159699.2 (MANE Select); coding-DNA positions 670 to 671, 2 bases duplicated (TA; older notation c.670_671dupTA).
Protein change: p.Cys225fs; shifts the reading frame from cysteine 225.
Molecular consequence: frameshift variant. On other transcripts: non-coding transcript variant (1), intron variant (2).
Genome position (GRCh38, 1-based): chrX:136,208,575-136,208,576, TA duplicated. VCF-style (leftmost placement, unchanged base first): chrX-136208574-T-TTA. GRCh37 (hg19) VCF-style: chrX-135290733-T-TTA.
Other names: c.622_623dup, p.Cys209fs (NM_001159700.2, NM_001159702.3, NM_001159704.1 and 8 more transcripts); c.709_710dup, p.Cys238fs (NM_001159701.2); c.501+614_501+615dup (NM_001159703.2); c.549+614_549+615dup (NM_001330659.2); short protein forms C225fs, C209fs, C238fs.
Identifiers: ClinVar variation 643604 (VCV000643604.8), dbSNP rs1603272263, ClinGen allele CA915951995.

ClinVar aggregate classification (germline): Pathogenic (1 of 4 stars; one submission).

Conditions:
X-linked myopathy with postural muscle atrophy. Also called: FHL1-Related Emery-Dreifuss Muscular Dystrophy, X-Linked. Identifiers: Orphanet 178461, MedGen C2678055, MONDO:0010401, OMIM 300696.

Submission:

Labcorp Genetics (formerly Invitae), Labcorp
Classification: Pathogenic for X-linked myopathy with postural muscle atrophy. Last evaluated: 2023-07-14. Review status: criteria provided, single submitter. Criteria: Invitae Variant Classification Sherloc (09022015). Collection method: clinical testing. Allele origin: germline.
Comment: This sequence change creates a premature translational stop signal (p.Cys209Thrfs*50) in the FHL1 gene. While this is not anticipated to result in nonsense mediated decay, it is expected to disrupt the last 72 amino acid(s) of the FHL1 protein. This variant is not present in population databases (gnomAD no frequency). This variant has not been reported in the literature in individuals affected with FHL1-related conditions. ClinVar contains an entry for this variant (Variation ID: 643604). For these reasons, this variant has been classified as Pathogenic. This variant disrupts a region of the FHL1 protein in which other variant(s) (p.Cys276Tyr) have been determined to be pathogenic (PMID: 19716112, 22523091, 24634512). This suggests that this is a clinically significant region of the protein, and that variants that disrupt it are likely to be disease-causing.

Literature cited by the submitters: PubMed 19716112; PubMed 22523091; PubMed 24634512.